The following is an entry in ClinVar:

NM_001114753.3(ENG):c.37C>A (p.Leu13Met)

Gene: ENG (endoglin; minus strand). Cytogenetic location: 9q34.11.
Variant type: single nucleotide variant.
Coding change: c.37C>A on transcript NM_001114753.3 (MANE Select); coding-DNA position 37, C replaced by A.
Protein change: p.Leu13Met; replaces leucine 13 with methionine.
Molecular consequence: missense variant.
Genome position (GRCh38, 1-based): chr9:127,854,319, G>T on the plus strand (C>A on the coding strand, the complement: ENG is on the minus strand). VCF-style: chr9-127854319-G-T. GRCh37 (hg19) VCF-style: chr9-130616598-G-T.
Other names: c.37C>A, p.Leu13Met (NM_000118.4, NM_001406715.1); short protein forms L13M.
Identifiers: ClinVar variation 2739617 (VCV002739617.3), dbSNP rs2539126383, ClinGen allele CA374989602.
Genomic context (GRCh38, chr9:127,854,319, plus strand): 5'-TCTCCCCACCCTGGGTCCCTGGACACCTACTTGTGGGGCTGAGGCTGCAGCTGGCCAGCA[G>T]CAGGGCAACAGCCAGAGGGAGCGTGCCGCGGTCCATGCTGTCCACGTGGGGGCCTGTGCG-3'
Protein context (NP_001108225.1, residues 3-23): RGTLPLAVAL[Leu13Met]LASCSLSPTS

ClinVar aggregate classification (germline): Uncertain significance (1 of 4 stars; one submission).

Conditions:
Hereditary hemorrhagic telangiectasia (HHT). Also called: ORW DISEASE; Osler Weber Rendu syndrome; OSLER-RENDU-WEBER DISEASE; Osler hemorrhagic telangiectasia syndrome. Identifiers: Orphanet 774, MedGen C0039445, MONDO:0019180. Disease mechanism: loss of function.

Submission:

Labcorp Genetics (formerly Invitae), Labcorp
Classification: Uncertain significance for Hereditary hemorrhagic telangiectasia. Last evaluated: 2025-11-17. Review status: criteria provided, single submitter. Criteria: Invitae Variant Classification Sherloc (09022015). Collection method: clinical testing. Allele origin: germline.
Comment: This sequence change replaces leucine, which is neutral and non-polar, with methionine, which is neutral and non-polar, at codon 13 of the ENG protein (p.Leu13Met). This variant is not present in population databases (gnomAD no frequency). This variant has not been reported in the literature in individuals affected with ENG-related conditions. ClinVar contains an entry for this variant (Variation ID: 2739617). Invitae Evidence Modeling of protein sequence and biophysical properties (such as structural, functional, and spatial information, amino acid conservation, physicochemical variation, residue mobility, and thermodynamic stability) has been performed for this missense variant. However, the output from this modeling did not meet the statistical confidence thresholds required to predict the impact of this variant on ENG protein function. In summary, the available evidence is currently insufficient to determine the role of this variant in disease. Therefore, it has been classified as a Variant of Uncertain Significance.